The following is an entry in ClinVar:

ClinVar aggregate classification (germline): Uncertain significance (1 of 4 stars; one submission).

Conditions:
Immunodeficiency 14 (IMD14A). Also called: ACTIVATED PI3K-DELTA SYNDROME 1; p110-DELTA-ACTIVATING MUTATION CAUSING SENESCENT T CELLS, LYMPHADENOPATHY, AND IMMUNODEFICIENCY; Activated PI3K Delta Syndrome Type 1 (APDS1); IMMUNODEFICIENCY 14A WITH LYMPHOPROLIFERATION, AUTOSOMAL DOMINANT. Identifiers: Orphanet 397596, Orphanet 693661, MedGen C5907821, MONDO:0014222, OMIM 615513.

Submission:

Labcorp Genetics (formerly Invitae), Labcorp
Classification: Uncertain significance for Activated PI3K-delta syndrome. Last evaluated: 2023-05-12. Review status: criteria provided, single submitter. Criteria: Invitae Variant Classification Sherloc (09022015). Collection method: clinical testing. Allele origin: germline.
Comment: Advanced modeling of protein sequence and biophysical properties (such as structural, functional, and spatial information, amino acid conservation, physicochemical variation, residue mobility, and thermodynamic stability) performed at Invitae indicates that this missense variant is not expected to disrupt PIK3CD protein function. This variant has not been reported in the literature in individuals affected with PIK3CD-related conditions. In summary, the available evidence is currently insufficient to determine the role of this variant in disease. Therefore, it has been classified as a Variant of Uncertain Significance. This sequence change replaces arginine, which is basic and polar, with serine, which is neutral and polar, at codon 38 of the PIK3CD protein (p.Arg38Ser). This variant is not present in population databases (gnomAD no frequency).

NM_005026.5(PIK3CD):c.112C>A (p.Arg38Ser)

Gene: PIK3CD (phosphatidylinositol-4,5-bisphosphate 3-kinase catalytic subunit delta; plus strand). Cytogenetic location: 1p36.22.
Variant type: single nucleotide variant.
Coding change: c.112C>A on transcript NM_005026.5 (MANE Select); coding-DNA position 112, C replaced by A.
Protein change: p.Arg38Ser; replaces arginine 38 with serine.
Molecular consequence: missense variant.
Genome position (GRCh38, 1-based): chr1:9,710,567, C>A. VCF-style: chr1-9710567-C-A. GRCh37 (hg19) VCF-style: chr1-9770625-C-A.
Other names: c.112C>A, p.Arg38Ser (NM_001350234.2, NM_001350235.1); short protein forms R38S.
Identifiers: ClinVar variation 2863729 (VCV002863729.3), dbSNP rs765729544, ClinGen allele CA338299592.
Genomic context (GRCh38, chr1:9,710,567, plus strand): 5'-CAGAGCGTTGTGGTTGACTTCCTGCTGCCCACAGGGGTCTACCTGAACTTCCCTGTGTCC[C>A]GCAATGCCAACCTCAGCACCATCAAGCAGGTATGGCCTCCATCCGGTCCTCAGACCTTGG-3'
Protein context (NP_005017.3, residues 28-48): TGVYLNFPVS[Arg38Ser]NANLSTIKQL